The following is an entry in ClinVar:

NM_001367479.1(DNAH14):c.7842del (p.Leu2615fs)

Gene: DNAH14 (dynein axonemal heavy chain 14; plus strand). Cytogenetic location: 1q42.12.
Variant type: Deletion.
Coding change: c.7842del on transcript NM_001367479.1 (MANE Select); coding-DNA position 7842, one base deleted (T; older notation c.7842delT).
Protein change: p.Leu2615fs; shifts the reading frame from leucine 2615.
Molecular consequence: frameshift variant.
Genome position (GRCh38, 1-based): chr1:225,272,957, T deleted; the last of 2 consecutive T bases (chr1:225,272,956-225,272,957); deleting either gives the same sequence. VCF-style (leftmost placement, unchanged base first): chr1-225272955-CT-C. GRCh37 (hg19) VCF-style: chr1-225460657-CT-C.
Other names: NM_001373.1:c.7824delT; short protein forms L2615fs.
Identifiers: ClinVar variation 4891061 (VCV004891061.2).

ClinVar aggregate classification (germline): Uncertain significance. Review status: criteria provided, multiple submitters, no conflicts (2 of 4 stars). 2 submissions from 2 submitters: Uncertain significance (2). Last evaluated 2026-07-23.

Conditions:
DNAH14-related disorder. Also called: DNAH14-related condition.

Submissions (2):

PreventionGenetics, part of Exact Sciences
Classification: Uncertain significance for DNAH14-related condition. Last evaluated: 2026-07-23. Review status: criteria provided, single submitter. Criteria: ACMG Guidelines, 2015. Collection method: clinical testing. Allele origin: germline.
Comment: The DNAH14 c.7824delT variant is predicted to result in a frameshift and premature protein termination (p.Leu2608Leufs*3). To our knowledge, this variant has not been reported in the literature. This variant is reported in 0.0058% of alleles in individuals of Latino descent in gnomAD. Although we suspect that this variant may be pathogenic, at this time, the clinical significance of this variant is uncertain due to the absence of conclusive functional and genetic evidence.

Greenwood Genetic Center Diagnostic Laboratories, Greenwood Genetic Center
Classification: Uncertain significance. Last evaluated: 2026-05-07. Review status: criteria provided, single submitter. Criteria: ACMG Guidelines, 2015. Collection method: clinical testing. Allele origin: germline.
Comment: Gene of Uncertain Significance